The following is an entry in ClinVar:

ClinVar aggregate classification (germline): Likely benign. Review status: criteria provided, multiple submitters, no conflicts (2 of 4 stars). 3 submissions from 3 submitters: Likely benign (3). Last evaluated 2025-02-01.

Allele frequency attached by ClinVar (database versions not stated): ExAC 0.00006; ESP Exome Variant Server 0.00015; 1000 Genomes Project 30x 0.00016; 1000 Genomes Project 0.00020; gnomAD 0.00001 and 0.00002; gnomAD exomes 0.00003 and 0.00004.
gnomAD v4.1: 49 of 1,614,156 alleles (0.003%); highest among the groups gnomAD compares: South Asian, 0.0066%; no homozygotes.

Submissions (3):

CeGaT Center for Human Genetics Tuebingen
Classification: Likely benign. Last evaluated: 2025-02-01. Review status: criteria provided, single submitter. Criteria: CeGaT Center For Human Genetics Tuebingen Variant Classification Criteria Version 2. Collection method: clinical testing. Allele origin: germline. Affected: yes. Observed: 1 variant allele.
Comment: EIF2B5: BP4, BP7

Labcorp Genetics (formerly Invitae), Labcorp
Classification: Likely benign. Last evaluated: 2024-02-17. Review status: criteria provided, single submitter. Criteria: Invitae Variant Classification Sherloc (09022015). Collection method: clinical testing. Allele origin: germline.

Breakthrough Genomics
Classification: Likely benign. Review status: criteria provided, single submitter. Criteria: ACMG Guidelines, 2015. Collection method: not provided. Allele origin: germline. Inheritance: Autosomal recessive inheritance. Affected: yes.

NM_003907.3(EIF2B5):c.1833G>A (p.Pro611=)

Gene: EIF2B5 (eukaryotic translation initiation factor 2B subunit epsilon; plus strand). Cytogenetic location: 3q27.1.
Variant type: single nucleotide variant.
Coding change: c.1833G>A on transcript NM_003907.3 (MANE Select); coding-DNA position 1833, G replaced by A.
Protein change: p.Pro611=; no amino-acid change (proline 611 retained).
Molecular consequence: synonymous variant.
Genome position (GRCh38, 1-based): chr3:184,143,529, G>A. VCF-style: chr3-184143529-G-A. GRCh37 (hg19) VCF-style: chr3-183861317-G-A.
Identifiers: ClinVar variation 1083827 (VCV001083827.21), dbSNP rs369036657, ClinGen allele CA2726821.
Genomic context (GRCh38, chr3:184,143,529, plus strand): 5'-GGTGATGCAGGTACTGAGCCACGTGGTCCTGGAGTTCCCCCTGCAACAGATGGATTCCCC[G>A]CTTGACTCAAGCCGCTACTGTGCCCTGCTGCTTCCTGTGAGCAAAGATTGGAGCTGAGTA-3'
Protein context (NP_003898.2, residues 601-621): LEFPLQQMDS[Pro611=]LDSSRYCALL